The following is an entry in ClinVar:

ClinVar aggregate classification (germline): Uncertain significance (1 of 4 stars; one submission).

Conditions:
Inborn genetic diseases. Identifiers: MedGen C0950123, MeSH D030342.

Submission:

Ambry Genetics
Classification: Uncertain significance for Inborn genetic diseases. Last evaluated: 2025-08-01. Review status: criteria provided, single submitter. Criteria: Ambry Variant Classification Scheme 2023. Collection method: clinical testing. Allele origin: germline.
Comment: The p.P1148S variant (also known as c.3442C>T), located in coding exon 35 of the FANCA gene, results from a C to T substitution at nucleotide position 3442. The proline at codon 1148 is replaced by serine, an amino acid with similar properties. This amino acid position is conserved. In addition, this alteration is predicted to be tolerated by in silico analysis. Based on the available evidence, the clinical significance of this variant remains unclear.

NM_000135.4(FANCA):c.3442C>T (p.Pro1148Ser)

Gene: FANCA (FA complementation group A; minus strand). Cytogenetic location: 16q24.3.
Variant type: single nucleotide variant.
Coding change: c.3442C>T on transcript NM_000135.4 (MANE Select); coding-DNA position 3442, C replaced by T.
Protein change: p.Pro1148Ser; replaces proline 1148 with serine.
Molecular consequence: missense variant.
Genome position (GRCh38, 1-based): chr16:89,746,655, G>A on the plus strand (C>T on the coding strand, the complement: FANCA is on the minus strand). VCF-style: chr16-89746655-G-A. GRCh37 (hg19) VCF-style: chr16-89813063-G-A.
Other names: c.3442C>T, p.Pro1148Ser (NM_001286167.3); short protein forms P1148S.
Identifiers: ClinVar variation 4254239 (VCV004254239.1).
Genomic context (GRCh38, chr16:89,746,655, plus strand): 5'-TCAAAATTAAGGGGCATTTCGTCTGGCACTTGGCCAGTATGAAGTCGACCATCAGGGAGG[G>A]GTCTCTGCTCCGCAGACAGGCGTTCAGGAGGCCCTGCAGGAGAGAACGCAGCAGGAGGTC-3'
Protein context (NP_000126.2, residues 1138-1158): LLNACLRSRD[Pro1148Ser]SLMVDFILAK